The following is an entry in ClinVar:

NM_002354.3(EPCAM):c.368G>A (p.Gly123Glu)

Gene: EPCAM (epithelial cell adhesion molecule; plus strand). Cytogenetic location: 2p21.
Variant type: single nucleotide variant.
Coding change: c.368G>A on transcript NM_002354.3 (MANE Select); coding-DNA position 368, G replaced by A.
Protein change: p.Gly123Glu; replaces glycine 123 with glutamic acid.
Molecular consequence: missense variant.
Genome position (GRCh38, 1-based): chr2:47,373,991, G>A. VCF-style: chr2-47373991-G-A. GRCh37 (hg19) VCF-style: chr2-47601130-G-A.
Other names: short protein forms G123E.
Identifiers: ClinVar variation 4834795 (VCV004834795.1).

ClinVar aggregate classification (germline): Uncertain significance (1 of 4 stars; one submission).

Conditions:
Hereditary cancer-predisposing syndrome. Also called: Neoplastic Syndromes, Hereditary; Tumor predisposition; Hereditary Cancer Syndrome; Hereditary neoplastic syndrome. Identifiers: Orphanet 140162, MedGen C0027672, MeSH D009386, MONDO:0015356.

Submission:

Ambry Genetics
Classification: Uncertain significance for Hereditary cancer-predisposing syndrome. Last evaluated: 2025-12-22. Review status: criteria provided, single submitter. Criteria: Ambry Variant Classification Scheme 2023. Collection method: clinical testing. Allele origin: germline.
Comment: The p.G123E variant (also known as c.368G>A), located in coding exon 3 of the EPCAM gene, results from a G to A substitution at nucleotide position 368. The glycine at codon 123 is replaced by glutamic acid, an amino acid with similar properties. This amino acid position is conserved. In addition, this alteration is predicted to be deleterious by in silico analysis. Based on the available evidence, the clinical significance of this variant remains unclear.